The following is an entry in ClinVar:

NM_001378778.1(MPDZ):c.4565G>A (p.Arg1522Gln)

Gene: MPDZ (multiple PDZ domain crumbs cell polarity complex component; minus strand). Cytogenetic location: 9p23.
Variant type: single nucleotide variant.
Coding change: c.4565G>A on transcript NM_001378778.1 (MANE Select); coding-DNA position 4565, G replaced by A.
Protein change: p.Arg1522Gln; replaces arginine 1522 with glutamine.
Molecular consequence: missense variant.
Genome position (GRCh38, 1-based): chr9:13,126,583, C>T on the plus strand (G>A on the coding strand, the complement: MPDZ is on the minus strand). VCF-style: chr9-13126583-C-T. GRCh37 (hg19) VCF-style: chr9-13126582-C-T.
Other names: c.4466G>A, p.Arg1489Gln (NM_001261406.2, NM_001261407.2, NM_001375416.1 and 3 more transcripts); c.4565G>A, p.Arg1522Gln (NM_001330637.2, NM_003829.5); c.4664G>A, p.Arg1555Gln (NM_001375413.1); c.4355G>A, p.Arg1452Gln (NM_001375420.1, NM_001375421.1, NM_001375422.1 and 4 more transcripts); c.4157G>A, p.Arg1386Gln (NM_001375427.1); short protein forms R1452Q, R1489Q, R1386Q, R1555Q, R1522Q.
Identifiers: ClinVar variation 1409964 (VCV001409964.7), dbSNP rs1362557651, ClinGen allele CA372947024.
Genomic context (GRCh38, chr9:13,126,583, plus strand): 5'-ATAGGGTAACCAACAACAATTTCATCATCTACAGCCAGTATCTGATCTCCGACTTTGAGT[C>T]GTCCATCCTAAATGGAAACGTAGAAGAATTTGAGTGATATTCCAAAAGTAATTCCCTCCC-3'
Protein context (NP_001365707.1, residues 1512-1532): TEHGVAATDG[Arg1522Gln]LKVGDQILAV

ClinVar aggregate classification (germline): Uncertain significance (1 of 4 stars; one submission).

Allele frequency attached by ClinVar (database versions not stated): gnomAD exomes below 0.00001; TOPMed 0.00001.
gnomAD v4.1: 10 of 1,600,844 alleles (0.00062%); highest among the groups gnomAD compares: East Asian, 0.0022%; no homozygotes.

Submission:

Labcorp Genetics (formerly Invitae), Labcorp
Classification: Uncertain significance. Last evaluated: 2024-11-05. Review status: criteria provided, single submitter. Criteria: Invitae Variant Classification Sherloc (09022015). Collection method: clinical testing. Allele origin: germline.
Comment: This sequence change replaces arginine, which is basic and polar, with glutamine, which is neutral and polar, at codon 1522 of the MPDZ protein (p.Arg1522Gln). This variant is present in population databases (no rsID available, gnomAD 0.003%). This variant has not been reported in the literature in individuals affected with MPDZ-related conditions. ClinVar contains an entry for this variant (Variation ID: 1409964). An algorithm developed to predict the effect of missense changes on protein structure and function (PolyPhen-2) suggests that this variant is likely to be tolerated. In summary, the available evidence is currently insufficient to determine the role of this variant in disease. Therefore, it has been classified as a Variant of Uncertain Significance.